The following is an entry in ClinVar:

NM_005188.4(CBL):c.1090_1092del (p.Thr364del)

Gene: CBL (Cbl proto-oncogene; plus strand). Cytogenetic location: 11q23.3.
Variant type: Deletion.
Coding change: c.1090_1092del on transcript NM_005188.4 (MANE Select); coding-DNA positions 1090 to 1092, 3 bases deleted (ACC; older notation c.1090_1092delACC).
Protein change: p.Thr364del; deletes threonine 364.
Molecular consequence: inframe deletion.
Genome position (GRCh38, 1-based): chr11:119,277,839-119,277,841, ACC deleted. VCF-style (leftmost placement, unchanged base first): chr11-119277838-GACC-G. GRCh37 (hg19) VCF-style: chr11-119148548-GACC-G.
Other names: short protein forms T364del.
Identifiers: ClinVar variation 4880201 (VCV004880201.1).

ClinVar aggregate classification (germline): Likely pathogenic (1 of 4 stars; one submission).

Conditions:
CBL-related disorder. Also called: CBL MUTATION-ASSOCIATED SYNDROME; CBL SYNDROME; NOONAN SYNDROME-LIKE DISORDER WITHOUT JUVENILE MYELOMONOCYTIC LEUKEMIA. Identifiers: Orphanet 363972, MedGen C3150803, MONDO:0013308, OMIM 613563.

Submission:

Wales Gene Park, Division Of Cancer and Genetics, Cardiff University
Classification: Likely pathogenic for CBL-related disorder. Last evaluated: 2026-04-28. Review status: criteria provided, single submitter. Criteria: ACGS Best Practice Guidelines for Variant Classification in Rare Disease 2024. Collection method: research. Allele origin: de novo. Inheritance: Autosomal dominant inheritance. Affected: yes. Study: 100,000 Genomes Project (Wales).
Comment: De novo in-frame single amino acid deletion in CBL detected by trio genome sequencing. Not present in gnomAD (v4.1.1). Phenotype consistent with gene but not highly specific. The deletion removes a conserved residue in the linker region which is a hotspot for pathogenic variants causing a Noonan syndrome-like phenotype (see PMID 20619386). Evidence codes: PM4_supporting, PM2, PS2_moderate, PM1_supporting.

Literature cited by the submitters: PubMed 20619386.